The following is an entry in ClinVar:

NM_015175.3(NBEAL2):c.6467A>T (p.Tyr2156Phe)

Gene: NBEAL2 (neurobeachin like 2; plus strand). Cytogenetic location: 3p21.31.
Variant type: single nucleotide variant.
Coding change: c.6467A>T on transcript NM_015175.3 (MANE Select); coding-DNA position 6467, A replaced by T.
Protein change: p.Tyr2156Phe; replaces tyrosine 2156 with phenylalanine.
Molecular consequence: missense variant.
Genome position (GRCh38, 1-based): chr3:47,005,228, A>T. VCF-style: chr3-47005228-A-T. GRCh37 (hg19) VCF-style: chr3-47046718-A-T.
Other names: p.Tyr2156Phe; c.6365A>T, p.Tyr2122Phe (NM_001365116.2); short protein forms Y2156F, Y2122F.
Identifiers: ClinVar variation 4540863 (VCV004540863.1).

ClinVar aggregate classification (germline): Uncertain significance (1 of 4 stars; one submission).

gnomAD v4.1: 25 of 1,613,554 alleles (0.0015%); highest among the groups gnomAD compares: Non-Finnish European, 0.002%; no homozygotes.

Submission:

Mayo Clinic Laboratories, Mayo Clinic
Classification: Uncertain significance. Last evaluated: 2025-04-16. Review status: criteria provided, single submitter. Criteria: ACMG Guidelines, 2015. Collection method: clinical testing. Allele origin: germline. Observed: 1 variant allele.
Comment: PP3_moderate